The following is an entry in ClinVar:

NM_000038.6(APC):c.2126A>T (p.Asn709Ile)

Gene: APC (APC regulator of Wnt signaling pathway; plus strand). Cytogenetic location: 5q22.2.
Variant type: single nucleotide variant.
Coding change: c.2126A>T on transcript NM_000038.6 (MANE Select); coding-DNA position 2126, A replaced by T.
Protein change: p.Asn709Ile; replaces asparagine 709 with isoleucine.
Molecular consequence: missense variant.
Genome position (GRCh38, 1-based): chr5:112,837,720, A>T. VCF-style: chr5-112837720-A-T. GRCh37 (hg19) VCF-style: chr5-112173417-A-T.
Other names: c.2126A>T, p.Asn709Ile (NM_001127510.3, NM_001354895.2); c.2072A>T, p.Asn691Ile (NM_001127511.3); c.2180A>T, p.Asn727Ile (NM_001354896.2); c.2156A>T, p.Asn719Ile (NM_001354897.2); c.2051A>T, p.Asn684Ile (NM_001354898.2); c.2042A>T, p.Asn681Ile (NM_001354899.2); c.2003A>T, p.Asn668Ile (NM_001354900.2); c.1949A>T, p.Asn650Ile (NM_001354901.2); and 5 more; short protein forms N426I, N618I, N650I, N684I, N709I, N583I, N681I, N608I.
Identifiers: ClinVar variation 835661 (VCV000835661.11), dbSNP rs1765110561, ClinGen allele CA16025980.
Genomic context (GRCh38, chr5:112,837,720, plus strand): 5'-CAAGAAATCCTAAAGACCAGGAAGCATTATGGGACATGGGGGCAGTTAGCATGCTCAAGA[A>T]CCTCATTCATTCAAAGCACAAAATGATTGCTATGGGAAGTGCTGCAGCTTTAAGGAATCT-3'
Protein context (NP_000029.2, residues 699-719): WDMGAVSMLK[Asn709Ile]LIHSKHKMIA

ClinVar aggregate classification (germline): Uncertain significance (1 of 4 stars; one submission).

Conditions:
Familial adenomatous polyposis 1 (FAP1). Also called: POLYPOSIS, ADENOMATOUS INTESTINAL; FAMILIAL ADENOMATOUS POLYPOSIS 1, ATTENUATED. Identifiers: MedGen C2713442, MONDO:0021056, OMIM 175100. Disease mechanism: loss of function.

Allele frequency attached by ClinVar (database versions not stated): TOPMed below 0.00001.

Submission:

Labcorp Genetics (formerly Invitae), Labcorp
Classification: Uncertain significance for Familial adenomatous polyposis 1. Last evaluated: 2019-02-10. Review status: criteria provided, single submitter. Criteria: Invitae Variant Classification Sherloc (09022015). Collection method: clinical testing. Allele origin: germline.
Comment: In summary, the available evidence is currently insufficient to determine the role of this variant in disease. Therefore, it has been classified as a Variant of Uncertain Significance. Algorithms developed to predict the effect of missense changes on protein structure and function (SIFT, PolyPhen-2, Align-GVGD) all suggest that this variant is likely to be disruptive, but these predictions have not been confirmed by published functional studies and their clinical significance is uncertain. This variant has not been reported in the literature in individuals with APC-related conditions. This variant is not present in population databases (ExAC no frequency). This sequence change replaces asparagine with isoleucine at codon 709 of the APC protein (p.Asn709Ile). The asparagine residue is highly conserved and there is a large physicochemical difference between asparagine and isoleucine.